The following is an entry in ClinVar:

ClinVar aggregate classification (germline): Conflicting classifications of pathogenicity. Review status: criteria provided, conflicting classifications (1 of 4 stars). 3 submissions from 3 submitters: Uncertain significance (1); Likely benign (1). 1 of the submissions does not count toward it. Last evaluated 2025-08-25.

Conditions:
Mucopolysaccharidosis type 6 (MPS6). Also called: ARSB DEFICIENCY; ARYLSULFATASE B DEFICIENCY; MPS VI; N-ACETYLGALACTOSAMINE-4-SULFATASE DEFICIENCY; MPS 6; Maroteaux Lamy syndrome. Identifiers: Orphanet 583, MedGen C0026709, MONDO:0009661, OMIM 253200.
ARSB-related disorder. Also called: ARSB-related condition.

Allele frequency attached by ClinVar (database versions not stated): gnomAD exomes 0.00005 and 0.00007; ExAC 0.00007; gnomAD 0.00013 and 0.00015; TOPMed 0.00015; 1000 Genomes Project 0.00040; 1000 Genomes Project 30x 0.00047.
gnomAD v4.1: 94 of 1,614,156 alleles (0.0058%); highest among the groups gnomAD compares: African/African-American, 0.056%; no homozygotes.

Submissions (3):

Labcorp Genetics (formerly Invitae), Labcorp
Classification: Likely benign for Mucopolysaccharidosis type 6. Last evaluated: 2025-08-25. Review status: criteria provided, single submitter. Criteria: Invitae Variant Classification Sherloc (09022015). Collection method: clinical testing. Allele origin: germline.

Illumina Laboratory Services, Illumina
Classification: Uncertain significance for Mucopolysaccharidosis type 6. Last evaluated: 2018-01-13. Review status: criteria provided, single submitter. Criteria: ICSL Variant Classification Criteria 13 December 2019. Collection method: clinical testing. Allele origin: germline.

PreventionGenetics, part of Exact Sciences
Classification: Likely benign for ARSB-related condition. Last evaluated: 2019-09-17. Review status: no assertion criteria provided. Collection method: clinical testing. Allele origin: germline. Not counted in ClinVar's aggregate classification.
Comment: This variant is classified as likely benign based on ACMG/AMP sequence variant interpretation guidelines (Richards et al. 2015 PMID: 25741868, with internal and published modifications).

NM_000046.5(ARSB):c.1533C>T (p.Pro511=)

Gene: ARSB (arylsulfatase B; minus strand). Cytogenetic location: 5q14.1.
Variant type: single nucleotide variant.
Coding change: c.1533C>T on transcript NM_000046.5 (MANE Select); coding-DNA position 1533, C replaced by T.
Protein change: p.Pro511=; no amino-acid change (proline 511 retained).
Molecular consequence: synonymous variant.
Genome position (GRCh38, 1-based): chr5:78,780,466, G>A on the plus strand (C>T on the coding strand, the complement: ARSB is on the minus strand). VCF-style: chr5-78780466-G-A. GRCh37 (hg19) VCF-style: chr5-78076289-G-A.
Identifiers: ClinVar variation 354303 (VCV000354303.16), dbSNP rs528157833, ClinGen allele CA3317966.
Genomic context (GRCh38, chr5:78,780,466, plus strand): 5'-AGGGCCCCACACCCCAGTGGCCTTGGGATCACAGCGGGGGTCCTGTGCAGGGAAGTACAC[G>A]GGGACTGAGTGTTTATGGTAGAACTGTAGGCGGGACAGGAGCTTTGTGACGATGTGAGGA-3'
Protein context (NP_000037.2, residues 501-521): RLQFYHKHSV[Pro511=]VYFPAQDPRC